The following is an entry in ClinVar:

ClinVar aggregate classification (germline): Likely benign (1 of 4 stars; one submission).

Allele frequency attached by ClinVar (database versions not stated): gnomAD 0.00005; TOPMed 0.00005; ExAC 0.00023; gnomAD exomes 0.00025; 1000 Genomes Project 30x 0.00042; 1000 Genomes Project 0.00053.
gnomAD v4.1: 266 of 1,186,729 alleles (0.022%); highest among the groups gnomAD compares: East Asian, 0.79%; 2 homozygotes.

Submission:

CeGaT Center for Human Genetics Tuebingen
Classification: Likely benign. Last evaluated: 2023-03-01. Review status: criteria provided, single submitter. Criteria: CeGaT Center For Human Genetics Tuebingen Variant Classification Criteria Version 2. Collection method: clinical testing. Allele origin: germline. Affected: yes. Observed: 1 variant allele.
Comment: IRS4: BP4, BP7, BS2

NM_001379150.1(IRS4):c.3534C>A (p.Ala1178=)

Gene: IRS4 (insulin receptor substrate 4; minus strand). Cytogenetic location: Xq22.3.
Variant type: single nucleotide variant.
Coding change: c.3534C>A on transcript NM_001379150.1 (MANE Select); coding-DNA position 3534, C replaced by A.
Protein change: p.Ala1178=; no amino-acid change (alanine 1178 retained).
Molecular consequence: synonymous variant.
Genome position (GRCh38, 1-based): chrX:108,732,811, G>T on the plus strand (C>A on the coding strand, the complement: IRS4 is on the minus strand). VCF-style: chrX-108732811-G-T. GRCh37 (hg19) VCF-style: chrX-107976041-G-T.
Other names: c.3534C>A, p.Ala1178= (NM_003604.2).
Identifiers: ClinVar variation 2499150 (VCV002499150.28), dbSNP rs181254741, ClinGen allele CA10489514.
Genomic context (GRCh38, chrX:108,732,811, plus strand): 5'-TCTGGCAAGGTTTGCAGATGGGTTGTGGGCTCCAGGGTTCGAGCCACCGGCAACGTCTTG[G>T]GCTCCCCTTACTGCTTCGGCATCAGCAGCATTAGCAACAGGTTGAAACCAGCGGGCAGAG-3'
Protein context (NP_001366079.1, residues 1168-1188): NAADAEAVRG[Ala1178=]QDVAGGSNPG